The following is an entry in ClinVar:

ClinVar aggregate classification (germline): Uncertain significance (1 of 4 stars; one submission).

Submission:

Women's Health and Genetics/Laboratory Corporation of America, LabCorp
Classification: Uncertain significance. Last evaluated: 2023-10-12. Review status: criteria provided, single submitter. Criteria: LabCorp Variant Classification Summary - May 2015. Collection method: clinical testing. Allele origin: germline.
Comment: Variant summary: PRKDC c.9554+2T>A is located in a canonical splice-site and is predicted to affect mRNA splicing resulting in a significantly altered protein due to either exon skipping, shortening, or inclusion of intronic material. Several computational tools predict a significant impact on normal splicing: Four predict the variant abolishes a 5' splicing donor site. However, the current clinical and genetic evidence is not sufficient to establish whether loss-of-function variants in PRKDC cause disease. The variant was absent in 224364 control chromosomes. The available data on variant occurrences in the general population are insufficient to allow any conclusion about variant significance. To our knowledge, no occurrence of c.9554+2T>A in individuals affected with Severe Combined Immunodeficiency and no experimental evidence demonstrating its impact on protein function have been reported. No submitters have cited clinical-significance assessments for this variant to ClinVar after 2014. Based on the evidence outlined above, the variant was classified as uncertain significance.

NM_006904.7(PRKDC):c.9557+2T>A

Gene: PRKDC (protein kinase, DNA-activated, catalytic subunit; minus strand). Cytogenetic location: 8q11.21.
Variant type: single nucleotide variant.
Coding change: c.9557+2T>A on transcript NM_006904.7 (MANE Select); the canonical splice donor site of the intron after coding-DNA position 9557, T replaced by A.
Molecular consequence: splice donor variant.
Genome position (GRCh38, 1-based): chr8:47,817,448, A>T on the plus strand (T>A on the coding strand, the complement: PRKDC is on the minus strand). VCF-style: chr8-47817448-A-T. GRCh37 (hg19) VCF-style: chr8-48730009-A-T.
Other names: c.9557+2T>A (NM_001081640.2).
Identifiers: ClinVar variation 2637698 (VCV002637698.1), dbSNP rs2551864877, ClinGen allele CA371136941.